The following is an entry in ClinVar:

ClinVar aggregate classification (germline): Pathogenic (1 of 4 stars; one submission).

Conditions:
Hereditary breast ovarian cancer syndrome. Also called: BRCA1- and BRCA2-Associated Hereditary Breast and Ovarian Cancer; Hereditary breast and ovarian cancer; Hereditary breast and ovarian cancer syndrome (HBOC); Hereditary breast and/or ovarian cancer syndrome; Hereditary breast and ovarian cancer syndrome; Breast and ovarian cancer. Identifiers: Orphanet 145, MedGen C0677776, MeSH D061325, MONDO:0003582. Disease mechanism: loss of function.

Submission:

Labcorp Genetics (formerly Invitae), Labcorp
Classification: Pathogenic for Hereditary breast ovarian cancer syndrome. Last evaluated: 2025-09-28. Review status: criteria provided, single submitter. Criteria: Invitae Variant Classification Sherloc (09022015). Collection method: clinical testing. Allele origin: germline.
Comment: This sequence change inserts a large fragment of DNA, likely a transposable element, in exon 10 of the BRCA1 gene (c.3768_3769ins?), causing a frameshift at codon 1257 (p.Glu1257fs). The exact size and sequence of the insertion cannot be determined by the current assay. However, the insertion is expected to result in an absent or disrupted protein product. This variant is not present in population databases (gnomAD no frequency). This variant has not been reported in the literature in individuals affected with BRCA1-related conditions. Retrotransposon insertions including LINE1 (L1), Alu, and SVA (SINE-VNTR-Alu) have been reported to be disease-causing through disruption of either a coding region or splice site (PMID: 19763152, 20307669, 22406018) and loss-of-function variants in BRCA1 are known to be pathogenic (PMID: 20104584). For these reasons, this variant has been classified as Pathogenic.

Literature cited by the submitters: PubMed 19763152; PubMed 20307669; PubMed 22406018; PubMed 20104584.

NM_007294.4(BRCA1):c.3768_3769insAGGCCGGGCGCGGTGGCTCACGCCTGTAATCCCAGCACTTTGGGAGGCCGAGGCGGGCGGATCACGNNNNNNNNNNAAAAAAAAAAAAAAAAAAAAAAGAACACA (p.Thr1256_Glu1257insArgProGlyAlaValAlaHisAlaCysAsnProSerThrLeuGlyGlyArgGlyGlyArgIleThrXaaXaaXaaXaaLysLysLysLysLysLysLysAsnThr)

Genes: BRCA1 (BRCA1 DNA repair associated; minus strand), LOC126862571 (BRD4-independent group 4 enhancer GRCh37_chr17:41243136-41244335; plus strand). Cytogenetic location: 17q21.31.
Variant type: Microsatellite.
Coding change: c.3768_3769insAGGCCGGGCGCGGTGGCTCACGCCTGTAATCCCAGCACTTTGGGAGGCCGAGGCGGGCGGATCACGNNNNNNNNNNAAAAAAAAAAAAAAAAAAAAAAGAACACA on transcript NM_007294.4 (MANE Select); coding-DNA positions 3768 to 3769, AGGCCGGGCGCGGTGGCTCACGCCTGTAATCCCAGCACTTTGGGAGGCCGAGGCGGGCGGATCACGNNNNNNNNNNAAAAAAAAAAAAAAAAAAAAAAGAACACA inserted.
Protein change: p.Thr1256_Glu1257insArgProGlyAlaValAlaHisAlaCysAsnProSerThrLeuGlyGlyArgGlyGlyArgIleThrXaaXaaXaaXaaLysLysLysLysLysLysLysAsnThr.
Molecular consequence: inframe insertion. On other transcripts: intron variant (135).
Genome position: GRCh38: chr17:43,091,763-43,091,771. GRCh37 (hg19): chr17:41,243,780-41,243,788.
Other names: c.3555_3556insAGGCCGGGCGCGGTGGCTCACGCCTGTAATCCCAGCACTTTGGGAGGCCGAGGCGGGCGGATCACGNNNNNNNNNNAAAAAAAAAAAAAAAAAAAAAAGAACACA, p.Thr1185_Glu1186insArgProGlyAlaValAlaHisAlaCysAsnProSerThrLeuGlyGlyArgGlyGlyArgIleThrXaaXaaXaaXaaLysLysLysLysLysLysLysAsnThr (NM_001407571.1, NM_001407853.1, NM_001407894.1 and 9 more transcripts); c.3768_3769insAGGCCGGGCGCGGTGGCTCACGCCTGTAATCCCAGCACTTTGGGAGGCCGAGGCGGGCGGATCACGNNNNNNNNNNAAAAAAAAAAAAAAAAAAAAAAGAACACA, p.Thr1256_Glu1257insArgProGlyAlaValAlaHisAlaCysAsnProSerThrLeuGlyGlyArgGlyGlyArgIleThrXaaXaaXaaXaaLysLysLysLysLysLysLysAsnThr (NM_001407581.1, NM_001407582.1, NM_001407583.1 and 30 more transcripts); c.3765_3766insAGGCCGGGCGCGGTGGCTCACGCCTGTAATCCCAGCACTTTGGGAGGCCGAGGCGGGCGGATCACGNNNNNNNNNNAAAAAAAAAAAAAAAAAAAAAAGAACACA, p.Thr1255_Glu1256insArgProGlyAlaValAlaHisAlaCysAsnProSerThrLeuGlyGlyArgGlyGlyArgIleThrXaaXaaXaaXaaLysLysLysLysLysLysLysAsnThr (NM_001407587.1, NM_001407590.1, NM_001407591.1 and 22 more transcripts); c.3759_3760insAGGCCGGGCGCGGTGGCTCACGCCTGTAATCCCAGCACTTTGGGAGGCCGAGGCGGGCGGATCACGNNNNNNNNNNAAAAAAAAAAAAAAAAAAAAAAGAACACA, p.Thr1253_Glu1254insArgProGlyAlaValAlaHisAlaCysAsnProSerThrLeuGlyGlyArgGlyGlyArgIleThrXaaXaaXaaXaaLysLysLysLysLysLysLysAsnThr (NM_001407646.1, NM_001407647.1); c.3645_3646insAGGCCGGGCGCGGTGGCTCACGCCTGTAATCCCAGCACTTTGGGAGGCCGAGGCGGGCGGATCACGNNNNNNNNNNAAAAAAAAAAAAAAAAAAAAAAGAACACA, p.Thr1215_Glu1216insArgProGlyAlaValAlaHisAlaCysAsnProSerThrLeuGlyGlyArgGlyGlyArgIleThrXaaXaaXaaXaaLysLysLysLysLysLysLysAsnThr (NM_001407648.1, NM_001407664.1, NM_001407665.1 and 19 more transcripts); c.3642_3643insAGGCCGGGCGCGGTGGCTCACGCCTGTAATCCCAGCACTTTGGGAGGCCGAGGCGGGCGGATCACGNNNNNNNNNNAAAAAAAAAAAAAAAAAAAAAAGAACACA, p.Thr1214_Glu1215insArgProGlyAlaValAlaHisAlaCysAsnProSerThrLeuGlyGlyArgGlyGlyArgIleThrXaaXaaXaaXaaLysLysLysLysLysLysLysAsnThr (NM_001407649.1, NM_001407670.1, NM_001407671.1 and 11 more transcripts); c.3690_3691insAGGCCGGGCGCGGTGGCTCACGCCTGTAATCCCAGCACTTTGGGAGGCCGAGGCGGGCGGATCACGNNNNNNNNNNAAAAAAAAAAAAAAAAAAAAAAGAACACA, p.Thr1230_Glu1231insArgProGlyAlaValAlaHisAlaCysAsnProSerThrLeuGlyGlyArgGlyGlyArgIleThrXaaXaaXaaXaaLysLysLysLysLysLysLysAsnThr (NM_001407653.1, NM_001407654.1, NM_001407655.1 and 4 more transcripts); c.3687_3688insAGGCCGGGCGCGGTGGCTCACGCCTGTAATCCCAGCACTTTGGGAGGCCGAGGCGGGCGGATCACGNNNNNNNNNNAAAAAAAAAAAAAAAAAAAAAAGAACACA, p.Thr1229_Glu1230insArgProGlyAlaValAlaHisAlaCysAsnProSerThrLeuGlyGlyArgGlyGlyArgIleThrXaaXaaXaaXaaLysLysLysLysLysLysLysAsnThr (NM_001407659.1, NM_001407660.1, NM_001407661.1 and 1 more transcripts); and 41 more.
Identifiers: ClinVar variation 1450577 (VCV001450577.8).